The following is an entry in ClinVar:

ClinVar aggregate classification (germline): Uncertain significance (1 of 4 stars; one submission).

Conditions:
Capillary malformation-arteriovenous malformation syndrome. Also called: Capillary malformation-arteriovenous malformation. Identifiers: Orphanet 137667, MedGen C1842180, MONDO:0012016.

Submission:

Labcorp Genetics (formerly Invitae), Labcorp
Classification: Uncertain significance for Capillary malformation-arteriovenous malformation syndrome. Last evaluated: 2025-01-01. Review status: criteria provided, single submitter. Criteria: Invitae Variant Classification Sherloc (09022015). Collection method: clinical testing. Allele origin: germline.
Comment: This sequence change replaces glycine, which is neutral and non-polar, with alanine, which is neutral and non-polar, at codon 129 of the RASA1 protein (p.Gly129Ala). This variant is not present in population databases (gnomAD no frequency). This variant has not been reported in the literature in individuals affected with RASA1-related conditions. An algorithm developed to predict the effect of missense changes on protein structure and function (PolyPhen-2) suggests that this variant is likely to be disruptive. In summary, the available evidence is currently insufficient to determine the role of this variant in disease. Therefore, it has been classified as a Variant of Uncertain Significance.

NM_002890.3(RASA1):c.386G>C (p.Gly129Ala)

Gene: RASA1 (RAS p21 protein activator 1; plus strand). Cytogenetic location: 5q14.3.
Variant type: single nucleotide variant.
Coding change: c.386G>C on transcript NM_002890.3 (MANE Select); coding-DNA position 386, G replaced by C.
Protein change: p.Gly129Ala; replaces glycine 129 with alanine.
Molecular consequence: missense variant.
Genome position (GRCh38, 1-based): chr5:87,268,837, G>C. VCF-style: chr5-87268837-G-C. GRCh37 (hg19) VCF-style: chr5-86564654-G-C.
Other names: short protein forms G129A.
Identifiers: ClinVar variation 3717475 (VCV003717475.2).
Genomic context (GRCh38, chr5:87,268,837, plus strand): 5'-GACCTAGTGGAGACATGGCTCTCACCAAACTGCCCACTTCGTTGCTTGCTGAGACTCTCG[G>C]GCCAGGCGGCGGTTTTCCCCCTCTGCCCCCTCCCCCTTACCTGCCCCCTTTGGGGGCGGG-3'
Protein context (NP_002881.1, residues 119-139): LPTSLLAETL[Gly129Ala]PGGGFPPLPP